The following is an entry in ClinVar:

NM_000501.4(ELN):c.1537_1554dup (p.Gly518_Ile519insValGlyValAlaProGly)

Genes: ELN-AS1 (ELN antisense RNA 1; minus strand), ELN (elastin; plus strand). Cytogenetic location: 7q11.23.
Variant type: Duplication.
Coding change: c.1537_1554dup on transcript NM_000501.4 (MANE Select); coding-DNA positions 1537 to 1554, 18 bases duplicated (GTTGGCGTGGCTCCCGGC).
Protein change: p.Gly518_Ile519insValGlyValAlaProGly.
Molecular consequence: non-coding transcript variant (on NR_183555.1).
Genome position (GRCh38, 1-based): chr7:74,060,008-74,060,025, GTTGGCGTGGCTCCCGGC duplicated; duplicating any 18 consecutive bases within chr7:74,060,005-74,060,025 gives the same sequence; the c. name uses the placement nearest the transcript's 3' end. VCF-style (leftmost placement, unchanged base first): chr7-74060004-T-TGGCGTTGGCGTGGCTCCC. GRCh37 (hg19) VCF-style: chr7-73474334-T-TGGCGTTGGCGTGGCTCCC.
Other names: c.1450_1467dup, p.Gly489_Ile490insValGlyValAlaProGly (NM_001081752.3); c.1495_1512dup, p.Gly504_Ile505insValGlyValAlaProGly (NM_001081753.3); c.1552_1569dup, p.Gly523_Ile524insValGlyValAlaProGly (NM_001081754.3); c.1480_1497dup, p.Gly499_Ile500insValGlyValAlaProGly (NM_001081755.3); c.1537_1554dup, p.Gly518_Ile519insValGlyValAlaProGly (NM_001278912.2); c.1294_1311dup, p.Gly437_Ile438insValGlyValAlaProGly (NM_001278913.2); c.1465_1482dup, p.Gly494_Ile495insValGlyValAlaProGly (NM_001278914.2); c.1555_1572dup, p.Gly524_Ile525insValGlyValAlaProGly (NM_001278915.2); and 4 more.
Identifiers: ClinVar variation 3716916 (VCV003716916.2).

ClinVar aggregate classification (germline): Uncertain significance (1 of 4 stars; one submission).

Conditions:
Supravalvar aortic stenosis (SVAS). Also called: Supravalvar aortic stenosis, Eisenberg type. Identifiers: Orphanet 3193, MedGen C0003499, MONDO:0008504, OMIM 185500, HP:0004381.

Submission:

Labcorp Genetics (formerly Invitae), Labcorp
Classification: Uncertain significance for Supravalvar aortic stenosis. Last evaluated: 2024-08-04. Review status: criteria provided, single submitter. Criteria: Invitae Variant Classification Sherloc (09022015). Collection method: clinical testing. Allele origin: germline.
Comment: This variant, c.1624_1641dup, results in the insertion of 6 amino acid(s) of the ELN protein (p.Val542_Gly547dup), but otherwise preserves the integrity of the reading frame. This variant is present in population databases (rs781918589, gnomAD 0.009%). This variant has not been reported in the literature in individuals affected with ELN-related conditions. In summary, the available evidence is currently insufficient to determine the role of this variant in disease. Therefore, it has been classified as a Variant of Uncertain Significance.